The following is an entry in ClinVar:

NM_032380.5(GFM2):c.1234C>T (p.Arg412Cys)

Gene: GFM2 (GTP dependent ribosome recycling factor mitochondrial 2; minus strand). Cytogenetic location: 5q13.3.
Variant type: single nucleotide variant.
Coding change: c.1234C>T on transcript NM_032380.5 (MANE Select); coding-DNA position 1234, C replaced by T.
Protein change: p.Arg412Cys; replaces arginine 412 with cysteine.
Molecular consequence: missense variant. On other transcripts: non-coding transcript variant (1).
Genome position (GRCh38, 1-based): chr5:74,738,404, G>A on the plus strand (C>T on the coding strand, the complement: GFM2 is on the minus strand). VCF-style: chr5-74738404-G-A. GRCh37 (hg19) VCF-style: chr5-74034229-G-A.
Other names: c.1234C>T (NM_032380.4); c.1330C>T, p.Arg444Cys (NM_001281302.2); c.1234C>T, p.Arg412Cys (NM_170681.3); c.1093C>T, p.Arg365Cys (NM_170691.3); short protein forms R365C, R412C, R444C.
Identifiers: ClinVar variation 1136341 (VCV001136341.17), dbSNP rs142425196, ClinGen allele CA3306579.
Genomic context (GRCh38, chr5:74,738,404, plus strand): 5'-TGTTACCAGCAGTCAATGAAGGGATTTCTACATGTTGGTCAGCAAACGGCAAAAGCAGAC[G>A]ACTTATTCTCTCCCTGTAAAATCACAATTTTATGTTAGTAAAAGTATTTTTAAAGAAGTG-3'
Protein context (NP_115756.2, residues 402-422): INGNCTERIS[Arg412Cys]LLLPFADQHV

ClinVar aggregate classification (germline): Conflicting classifications of pathogenicity. Review status: criteria provided, conflicting classifications (1 of 4 stars). 4 submissions from 4 submitters: Uncertain significance (2); Likely benign (1). 1 of the submissions does not count toward it. Last evaluated 2026-09-16.

Conditions:
GFM2-related disorder. Also called: GFM2-related condition.
Combined oxidative phosphorylation deficiency 39. Identifiers: Orphanet 565624, MedGen C5193075, MONDO:0032726, OMIM 618397.

Allele frequency attached by ClinVar (database versions not stated): gnomAD exomes 0.00018 and 0.00051; TOPMed 0.00134; ESP Exome Variant Server 0.00154; gnomAD 0.00148 and 0.00149; 1000 Genomes Project 0.00200; ExAC 0.00051; 1000 Genomes Project 30x 0.00250.
gnomAD v4.1: 500 of 1,613,312 alleles (0.031%); highest among the groups gnomAD compares: African/African-American, 0.42%; no homozygotes.

Submissions (4):

GeneDx
Classification: Uncertain significance. Last evaluated: 2026-09-16. Review status: criteria provided, single submitter. Criteria: GeneDx Variant Classification Process June 2021. Collection method: clinical testing. Allele origin: germline.
Comment: In silico analysis supports that this missense variant has a deleterious effect on protein structure/function; Has not been previously published as pathogenic or benign to our knowledge

OLLIN Analises Genomicas, OLLIN
Classification: Uncertain significance for Combined oxidative phosphorylation deficiency 39. Last evaluated: 2026-08-06. Review status: criteria provided, single submitter. Criteria: ACMG Guidelines 2015 PMID 25741868. Collection method: clinical testing. Allele origin: germline. Inheritance: Autosomal recessive inheritance.
Comment: This missense variant, located in exon 14 (of 21), has been reported in ClinVar (accession VCV001136341.15) and in gnomAD with an allele frequency of 0.031%. However, to our knowledge, it has not been reported in the scientific literature. In silico analysis is inconclusive regarding the impact of this variant. According to the currently available evidence, this variant has been classified as uncertain significance (PM2_P).

Labcorp Genetics (formerly Invitae), Labcorp
Classification: Likely benign. Last evaluated: 2026-01-19. Review status: criteria provided, single submitter. Criteria: Invitae Variant Classification Sherloc (09022015). Collection method: clinical testing. Allele origin: germline.

PreventionGenetics, part of Exact Sciences
Classification: Likely benign for GFM2-related condition. Last evaluated: 2022-02-01. Review status: no assertion criteria provided. Collection method: clinical testing. Allele origin: germline. Not counted in ClinVar's aggregate classification.
Comment: This variant is classified as likely benign based on ACMG/AMP sequence variant interpretation guidelines (Richards et al. 2015 PMID: 25741868, with internal and published modifications).